The following is an entry in ClinVar:

ClinVar aggregate classification (germline): Conflicting classifications of pathogenicity. Review status: criteria provided, conflicting classifications (1 of 4 stars). 8 submissions from 8 submitters: Uncertain significance (6); Likely benign (1). 1 of the submissions does not count toward it. Last evaluated 2025-12-20.

Conditions:
BRCA1-related disorder. Also called: BRCA1-related condition.
Hereditary cancer-predisposing syndrome. Also called: Tumor predisposition; Neoplastic Syndromes, Hereditary; Hereditary Cancer Syndrome; Hereditary neoplastic syndrome. Identifiers: Orphanet 140162, MedGen C0027672, MeSH D009386, MONDO:0015356.
Hereditary breast ovarian cancer syndrome. Also called: Hereditary breast and ovarian cancer syndrome (HBOC); Hereditary breast and ovarian cancer syndrome; Hereditary breast and ovarian cancer; Hereditary breast and/or ovarian cancer syndrome; Breast and ovarian cancer; BRCA1- and BRCA2-Associated Hereditary Breast and Ovarian Cancer. Identifiers: Orphanet 145, MedGen C0677776, MeSH D061325, MONDO:0003582. Disease mechanism: loss of function.
Breast-ovarian cancer, familial, susceptibility to, 1 (BROVCA1). Also called: OVARIAN CANCER, SUSCEPTIBILITY TO; BRCA1 Hereditary Breast and Ovarian Cancer. Identifiers: Orphanet 145, MedGen C2676676, MONDO:0011450, OMIM 604370. Disease mechanism: loss of function.

Allele frequency attached by ClinVar (database versions not stated): gnomAD exomes below 0.00001 and 0.00001; gnomAD 0.00001; TOPMed 0.00002; ESP Exome Variant Server 0.00015.
gnomAD v4.1: 4 of 1,614,024 alleles (0.00025%); highest among the groups gnomAD compares: Admixed American, 0.0033%; no homozygotes.

Submissions (8):

Ambry Genetics
Classification: Uncertain significance for Hereditary cancer-predisposing syndrome. Last evaluated: 2025-12-20. Review status: criteria provided, single submitter. Criteria: Ambry Variant Classification Scheme 2023. Collection method: clinical testing. Allele origin: germline.
Comment: The p.S1218G variant (also known as c.3652A>G), located in coding exon 9 of the BRCA1 gene, results from an A to G substitution at nucleotide position 3652. The serine at codon 1218 is replaced by glycine, an amino acid with similar properties. This amino acid position is well conserved in available vertebrate species. In addition, the in silico prediction for this alteration is inconclusive. Since supporting evidence is limited at this time, the clinical significance of this alteration remains unclear.

Labcorp Genetics (formerly Invitae), Labcorp
Classification: Uncertain significance for Hereditary breast ovarian cancer syndrome. Last evaluated: 2025-05-15. Review status: criteria provided, single submitter. Criteria: Invitae Variant Classification Sherloc (09022015). Collection method: clinical testing. Allele origin: germline.
Comment: This sequence change replaces serine, which is neutral and polar, with glycine, which is neutral and non-polar, at codon 1218 of the BRCA1 protein (p.Ser1218Gly). This variant is present in population databases (rs80356894, gnomAD 0.003%). This variant has not been reported in the literature in individuals affected with BRCA1-related conditions. ClinVar contains an entry for this variant (Variation ID: 37536). Invitae Evidence Modeling of protein sequence and biophysical properties (such as structural, functional, and spatial information, amino acid conservation, physicochemical variation, residue mobility, and thermodynamic stability) indicates that this missense variant is not expected to disrupt BRCA1 protein function with a negative predictive value of 80%. In summary, the available evidence is currently insufficient to determine the role of this variant in disease. Therefore, it has been classified as a Variant of Uncertain Significance.

Quest Diagnostics Nichols Institute San Juan Capistrano
Classification: Uncertain significance. Last evaluated: 2024-08-05. Review status: criteria provided, single submitter. Criteria: Quest Diagnostics criteria. Collection method: clinical testing. Allele origin: unknown.
Comment: The BRCA1 c.3652A>G (p.Ser1218Gly) variant has been reported in individuals with a personal and/or family history of cancer (PMID: 31853058 (2020)) and described to be located in a region of the BRCA1 gene that is tolerant to missense sequence changes (PMID: 31911673 (2020)). The frequency of this variant in the general population, 0.000008 (2/251300 chromosomes (Genome Aggregation Database)), is uninformative in the assessment of its pathogenicity. Analysis of this variant using bioinformatics tools for the prediction of the effect of amino acid changes on protein structure and function yielded predictions that this variant is benign. Based on the available information, we are unable to determine the clinical significance of this variant.

All of Us Research Program, National Institutes of Health
Classification: Uncertain significance for Breast-ovarian cancer, familial, susceptibility to, 1. Last evaluated: 2023-12-01. Review status: criteria provided, single submitter. Criteria: ACMG Guidelines, 2015. Collection method: clinical testing. Allele origin: germline. Inheritance: Autosomal dominant inheritance. Observed: 2 variant alleles, 2 heterozygotes.
Comment: This missense variant replaces serine with glycine at codon 1218 of the BRCA1 protein. Computational prediction suggests that this variant may not impact protein structure and function (internally defined REVEL score threshold <= 0.5, PMID: 27666373). To our knowledge, functional studies have not been reported for this variant. This variant has not been reported in individuals affected with BRCA1-related disorders in the literature. This variant has been identified in 2/251300 chromosomes in the general population by the Genome Aggregation Database (gnomAD). The available evidence is insufficient to determine the role of this variant in disease conclusively. Therefore, this variant is classified as a Variant of Uncertain Significance.

This study involves interpretation of variants in research participants for the purpose of population health screening. Participant phenotype was not available at the time of variant classification. Additional details can be found in publication PMID: 35346344, PMCID: PMC8962531

PreventionGenetics, part of Exact Sciences
Classification: Uncertain significance for BRCA1-related condition. Last evaluated: 2023-06-14. Review status: criteria provided, single submitter. Criteria: ACMG Guidelines, 2015. Collection method: clinical testing. Allele origin: germline.
Comment: The BRCA1 c.3652A>G variant is predicted to result in the amino acid substitution p.Ser1218Gly. To our knowledge, this variant has not been reported in the literature. This variant is reported in 0.0029% of alleles in individuals of Latino descent in gnomAD and has conflicting interpretations regarding its pathogenicity in ClinVar, ranging from uncertain significance to likely benign. At this time, the clinical significance of this variant is uncertain due to the absence of conclusive functional and genetic evidence.

University of Washington Department of Laboratory Medicine, University of Washington
Classification: Likely benign for Hereditary cancer-predisposing syndrome. Last evaluated: 2023-03-23. Review status: criteria provided, single submitter. Criteria: Dines et al. (Genet Med. 2020). Collection method: curation. Allele origin: germline.
Comment: Missense variant in a coldspot region where missense variants are very unlikely to be pathogenic (PMID:31911673).

BRCA1 coldspot (exon 11 using historical exon numbering). Reclassification based on statistical prior probability

Women's Health and Genetics/Laboratory Corporation of America, LabCorp
Classification: Uncertain significance. Last evaluated: 2019-03-11. Review status: criteria provided, single submitter. Criteria: LabCorp Variant Classification Summary - May 2015. Collection method: clinical testing. Allele origin: germline.
Comment: Variant summary: BRCA1 c.3652A>G (p.Ser1218Gly) results in a non-conservative amino acid change in the encoded protein sequence. Four of five in-silico tools predict a damaging effect of the variant on protein function. The variant allele was found at a frequency of 8.1e-06 in 246056 control chromosomes (gnomAD). The available data on variant occurrences in the general population are insufficient to allow any conclusion about variant significance. To our knowledge, no occurrence of c.3652A>G in individuals affected with Hereditary Breast and Ovarian Cancer and no experimental evidence demonstrating its impact on protein function have been reported. Two ClinVar submissions from clinical diagnostic laboratories (evaluation after 2014) cites the variant as uncertain significance. Based on the evidence outlined above, the variant was classified as uncertain significance.

Sharing Clinical Reports Project (SCRP)
Classification: Uncertain significance for Breast-ovarian cancer, familial 1. Last evaluated: 2009-07-20. Review status: no assertion criteria provided. Collection method: clinical testing. Allele origin: germline. Not counted in ClinVar's aggregate classification.

Literature cited by the submitters: PubMed 31911673 (cited by Quest Diagnostics Nichols Institute San Juan Capistrano); PubMed 31853058 (cited by Quest Diagnostics Nichols Institute San Juan Capistrano).

NM_007294.4(BRCA1):c.3652A>G (p.Ser1218Gly)

Genes: BRCA1 (BRCA1 DNA repair associated; minus strand), LOC126862571 (BRD4-independent group 4 enhancer GRCh37_chr17:41243136-41244335; plus strand). Cytogenetic location: 17q21.31.
Variant type: single nucleotide variant.
Coding change: c.3652A>G on transcript NM_007294.4 (MANE Select); coding-DNA position 3652, A replaced by G.
Protein change: p.Ser1218Gly; replaces serine 1218 with glycine.
Molecular consequence: missense variant. On other transcripts: intron variant (135).
Genome position (GRCh38, 1-based): chr17:43,091,879, T>C on the plus strand (A>G on the coding strand, the complement: BRCA1 is on the minus strand). VCF-style: chr17-43091879-T-C. GRCh37 (hg19) VCF-style: chr17-41243896-T-C.
Other names: 3771A>G; c.3652A>G, p.Ser1218Gly (NM_001407598.1, NM_001407602.1, NM_001407603.1 and 30 more transcripts); c.3649A>G, p.Ser1217Gly (NM_001407610.1, NM_001407611.1, NM_001407612.1 and 22 more transcripts); c.3643A>G, p.Ser1215Gly (NM_001407646.1, NM_001407647.1); c.3529A>G, p.Ser1177Gly (NM_001407648.1, NM_001407664.1, NM_001407665.1 and 19 more transcripts); c.3526A>G, p.Ser1176Gly (NM_001407649.1, NM_001407670.1, NM_001407671.1 and 11 more transcripts); c.3574A>G, p.Ser1192Gly (NM_001407653.1, NM_001407654.1, NM_001407655.1 and 4 more transcripts); c.3571A>G, p.Ser1191Gly (NM_001407659.1, NM_001407660.1, NM_001407661.1 and 1 more transcripts); and 42 more; short protein forms S1218G, S1171G, S1050G, S1107G, S1130G, S1148G, S1090G, S1129G.
Identifiers: ClinVar variation 37536 (VCV000037536.25), dbSNP rs80356894, ClinGen allele CA002339.